The following is an entry in ClinVar:

NM_014484.5(MOCS3):c.716G>A (p.Cys239Tyr)

Gene: MOCS3 (molybdenum cofactor synthesis 3; plus strand). Cytogenetic location: 20q13.13.
Variant type: single nucleotide variant.
Coding change: c.716G>A on transcript NM_014484.5 (MANE Select); coding-DNA position 716, G replaced by A.
Protein change: p.Cys239Tyr; replaces cysteine 239 with tyrosine.
Molecular consequence: missense variant.
Genome position (GRCh38, 1-based): chr20:50,959,558, G>A. VCF-style: chr20-50959558-G-A. GRCh37 (hg19) VCF-style: chr20-49576095-G-A.
Other names: short protein forms C239Y.
Identifiers: ClinVar variation 1934075 (VCV001934075.5), dbSNP rs1987035015, ClinGen allele CA408984144.
Genomic context (GRCh38, chr20:50,959,558, plus strand): 5'-GTGGCCCTTGCTATCGCTGCATATTCCCCCAACCACCCCCAGCGGAGACAGTGACCAACT[G>A]CGCGGACGGCGGGGTGCTCGGTGTCGTTACCGGGGTCCTGGGCTGCCTGCAGGCCTTGGA-3'
Protein context (NP_055299.1, residues 229-249): QPPPAETVTN[Cys239Tyr]ADGGVLGVVT

ClinVar aggregate classification (germline): Uncertain significance (1 of 4 stars; one submission).

Allele frequency attached by ClinVar (database versions not stated): TOPMed below 0.00001; gnomAD 0.00001.

Submission:

Labcorp Genetics (formerly Invitae), Labcorp
Classification: Uncertain significance. Last evaluated: 2022-10-15. Review status: criteria provided, single submitter. Criteria: Invitae Variant Classification Sherloc (09022015). Collection method: clinical testing. Allele origin: germline.
Comment: This sequence change replaces cysteine, which is neutral and slightly polar, with tyrosine, which is neutral and polar, at codon 239 of the MOCS3 protein (p.Cys239Tyr). This variant is not present in population databases (gnomAD no frequency). This variant has not been reported in the literature in individuals affected with MOCS3-related conditions. Algorithms developed to predict the effect of missense changes on protein structure and function (SIFT, PolyPhen-2, Align-GVGD) all suggest that this variant is likely to be disruptive. In summary, the available evidence is currently insufficient to determine the role of this variant in disease. Therefore, it has been classified as a Variant of Uncertain Significance.